The following is an entry in ClinVar:

NM_015443.4(KANSL1):c.1613C>T (p.Ser538Leu)

Gene: KANSL1 (KAT8 regulatory NSL complex subunit 1). Cytogenetic location: 17q21.31.
Variant type: single nucleotide variant.
Coding change: c.1613C>T on transcript NM_015443.4 (MANE Select); coding-DNA position 1613, C replaced by T.
Protein change: p.Ser538Leu; replaces serine 538 with leucine.
Molecular consequence: missense variant.
Genome position (GRCh38, 1-based): chr17:46,067,588, G>A on the plus strand (C>T on the coding strand, the complement: KANSL1 is on the minus strand). VCF-style: chr17-46067588-G-A. GRCh37 (hg19) VCF-style: chr17-44144954-G-A.
Other names: p.S538L:TCA>TTA; c.1613C>T, p.Ser538Leu (NM_001193465.2, NM_001193466.2, NM_001379198.1); short protein forms S538L.
Identifiers: ClinVar variation 205736 (VCV000205736.35), dbSNP rs142435060, ClinGen allele CA315100.

ClinVar aggregate classification (germline): Likely benign. Review status: criteria provided, multiple submitters, no conflicts (2 of 4 stars). 3 submissions from 3 submitters: Likely benign (3). Last evaluated 2024-02-27.

Conditions:
Koolen-de Vries syndrome (KDVS). Identifiers: Orphanet 96169, MedGen C1864871, MONDO:0012496, OMIM 610443.

Allele frequency attached by ClinVar (database versions not stated): gnomAD exomes below 0.00001 and 0.00001; ExAC 0.00002; TOPMed 0.00002; gnomAD 0.00003; ESP Exome Variant Server 0.00008.
gnomAD v4.1: 9 of 1,608,648 alleles (0.00056%); highest among the groups gnomAD compares: Non-Finnish European, 0.00077%; no homozygotes.

Submissions (3):

Labcorp Genetics (formerly Invitae), Labcorp
Classification: Likely benign for Koolen-de Vries syndrome. Last evaluated: 2024-02-27. Review status: criteria provided, single submitter. Criteria: Invitae Variant Classification Sherloc (09022015). Collection method: clinical testing. Allele origin: germline.

CeGaT Center for Human Genetics Tuebingen
Classification: Likely benign. Last evaluated: 2023-01-01. Review status: criteria provided, single submitter. Criteria: CeGaT Center For Human Genetics Tuebingen Variant Classification Criteria Version 2. Collection method: clinical testing. Allele origin: germline. Affected: yes. Observed: 1 variant allele.
Comment: KANSL1: BP4, BS2

GeneDx
Classification: Likely benign. Last evaluated: 2021-05-07. Review status: criteria provided, single submitter. Criteria: GeneDx Variant Classification Process June 2021. Collection method: clinical testing. Allele origin: germline. Affected: yes.